The following is an entry in ClinVar:

NM_000051.4(ATM):c.8309_8310delinsTT (p.Cys2770Phe)

Genes: ATM (ATM serine/threonine kinase; plus strand), C11orf65 (chromosome 11 open reading frame 65; minus strand). Cytogenetic location: 11q22.3.
Variant type: Indel.
Coding change: c.8309_8310delinsTT on transcript NM_000051.4 (MANE Select); coding-DNA positions 8309 to 8310, GC replaced by TT.
Protein change: p.Cys2770Phe; replaces cysteine 2770 with phenylalanine.
Molecular consequence: missense variant. On other transcripts: intron variant (2).
Genome position (GRCh38, 1-based): chr11:108,343,262-108,343,263, GC replaced by TT. VCF-style: chr11-108343262-GC-TT. GRCh37 (hg19) VCF-style: chr11-108213989-GC-TT.
Other names: c.8309_8310delinsTT, p.Cys2770Phe (NM_001351834.2); c.641-34192_641-34191delinsAA (NM_001330368.2); c.695-7971_695-7970delinsAA (NM_001351110.2); short protein forms C2770F.
Identifiers: ClinVar variation 1762853 (VCV001762853.2), dbSNP rs2547416059, ClinGen allele CA2580083168.

ClinVar aggregate classification (germline): Uncertain significance (1 of 4 stars; one submission).

Conditions:
Hereditary cancer-predisposing syndrome. Also called: Hereditary neoplastic syndrome; Neoplastic Syndromes, Hereditary; Tumor predisposition; Hereditary Cancer Syndrome. Identifiers: Orphanet 140162, MedGen C0027672, MeSH D009386, MONDO:0015356.

Submission:

Ambry Genetics
Classification: Uncertain significance for Hereditary cancer-predisposing syndrome. Last evaluated: 2021-01-12. Review status: criteria provided, single submitter. Criteria: Ambry Variant Classification Scheme 2023. Collection method: clinical testing. Allele origin: germline.
Comment: The c.8309_8310delGCinsTT variant, located in coding exon 56 of the ATM gene, results from an in-frame deletion of GC and insertion of TT at nucleotide positions 8309 to 8310. This results in the substitution of the cysteine residue for a phenylalanine residue at codon 2770, an amino acid with highly dissimilar properties. This amino acid position is highly conserved in available vertebrate species. In addition, this alteration is predicted to be deleterious by in silico analysis (Choi Y et al. PLoS ONE. 2012; 7(10):e46688). Since supporting evidence is limited at this time, the clinical significance of this alteration remains unclear.